The following is an entry in ClinVar:

NM_019042.5(PUS7):c.1399-1G>C

Gene: PUS7 (pseudouridine synthase 7; minus strand). Cytogenetic location: 7q22.3.
Variant type: single nucleotide variant.
Coding change: c.1399-1G>C on transcript NM_019042.5 (MANE Select); the canonical splice acceptor site of the intron before coding-DNA position 1399, G replaced by C.
Molecular consequence: splice acceptor variant.
Genome position (GRCh38, 1-based): chr7:105,468,464, C>G on the plus strand (G>C on the coding strand, the complement: PUS7 is on the minus strand). VCF-style: chr7-105468464-C-G. GRCh37 (hg19) VCF-style: chr7-105108911-C-G.
Other names: c.1417-1G>C (NM_001318163.1); c.1399-1G>C (NM_001318164.2).
Identifiers: ClinVar variation 3897239 (VCV003897239.2).
Genomic context (GRCh38, chr7:105,468,464, plus strand): 5'-GTTATTCCACACATAGCTTTGGTAGCTATGAATATACATTAAGCGATTATTTCTGGGTAT[C>G]TGGAGGGAAGGAAAAAAATAGGCAAGAAAACATATTCTAAATATAAAAAGTGCTGTACTT-3'

ClinVar aggregate classification (germline): Pathogenic/Likely pathogenic. Review status: criteria provided, multiple submitters, no conflicts (2 of 4 stars). 2 submissions from 2 submitters: Pathogenic (1); Likely pathogenic (1). Last evaluated 2026-01-29.

Conditions:
Intellectual developmental disorder with abnormal behavior, microcephaly, and short stature. Identifiers: MedGen C5193039, MONDO:0032687, OMIM 618342.

Submissions (2):

Women's Health and Genetics/Laboratory Corporation of America, LabCorp
Classification: Likely pathogenic for Intellectual developmental disorder with abnormal behavior, microcephaly, and short stature. Last evaluated: 2026-01-29. Review status: criteria provided, single submitter. Criteria: LabCorp Variant Classification Summary - May 2015. Collection method: clinical testing. Allele origin: germline.
Comment: Variant summary: PUS7 c.1399-1G>C is located in a canonical splice-site and is predicted to affect mRNA splicing resulting in a significantly altered protein due to either exon skipping, shortening, or inclusion of intronic material. Variants that disrupt the consensus splice site are a relatively common cause of aberrant splicing and loss of PUS7 function. Several computational tools predict a significant impact on normal splicing: Four predict the variant abolishes a canonical 3' acceptor site. Four predict the variant creates/strengthens a cryptic 3' acceptor site. However, these predictions have yet to be confirmed by functional studies. The variant allele was found at a frequency of 4.4e-06 in 227886 control chromosomes (gnomAD). To our knowledge, no occurrence of c.1399-1G>C in individuals affected with PUS7-related conditions and no experimental evidence demonstrating its impact on protein function have been reported. ClinVar contains an entry for this variant (Variation ID: 3897239). Based on the evidence outlined above, the variant was classified as likely pathogenic.

GeneDx
Classification: Pathogenic. Last evaluated: 2024-10-29. Review status: criteria provided, single submitter. Criteria: GeneDx Variant Classification Process June 2021. Collection method: clinical testing. Allele origin: germline. Affected: yes.
Comment: Canonical splice site variant predicted to result in a null allele in a gene for which loss of function is a known mechanism of disease; Not observed at significant frequency in large population cohorts (gnomAD); Has not been previously published as pathogenic or benign to our knowledge